The following is an entry in ClinVar:

NM_030665.4(RAI1):c.3633C>A (p.Gly1211=)

Gene: RAI1 (retinoic acid induced 1; plus strand). Cytogenetic location: 17p11.2.
Variant type: single nucleotide variant.
Coding change: c.3633C>A on transcript NM_030665.4 (MANE Select); coding-DNA position 3633, C replaced by A.
Protein change: p.Gly1211=; no amino-acid change (glycine 1211 retained).
Molecular consequence: synonymous variant.
Genome position (GRCh38, 1-based): chr17:17,796,581, C>A. VCF-style: chr17-17796581-C-A. GRCh37 (hg19) VCF-style: chr17-17699895-C-A.
Identifiers: ClinVar variation 1586350 (VCV001586350.12), dbSNP rs774343034, ClinGen allele CA8418767.

ClinVar aggregate classification (germline): Likely benign. Review status: criteria provided, multiple submitters, no conflicts (2 of 4 stars). 3 submissions from 3 submitters: Likely benign (2). 1 of the submissions does not count toward it. Last evaluated 2024-12-19.

Conditions:
Inborn genetic diseases. Identifiers: MedGen C0950123, MeSH D030342.
RAI1-related disorder. Also called: RAI1-related condition.

Allele frequency attached by ClinVar (database versions not stated): ExAC 0.00002; TOPMed 0.00002; gnomAD 0.00003.
gnomAD v4.1: 12 of 1,611,550 alleles (0.00074%); highest among the groups gnomAD compares: Admixed American, 0.01%; no homozygotes.

Submissions (3):

Labcorp Genetics (formerly Invitae), Labcorp
Classification: Likely benign. Last evaluated: 2024-12-19. Review status: criteria provided, single submitter. Criteria: Invitae Variant Classification Sherloc (09022015). Collection method: clinical testing. Allele origin: germline.

Ambry Genetics
Classification: Likely benign for Inborn genetic diseases. Last evaluated: 2019-06-28. Review status: criteria provided, single submitter. Criteria: Ambry Variant Classification Scheme 2023. Collection method: clinical testing. Allele origin: germline.

PreventionGenetics, part of Exact Sciences
Classification: Likely benign for RAI1-related condition. Last evaluated: 2022-05-16. Review status: no assertion criteria provided. Collection method: clinical testing. Allele origin: germline. Not counted in ClinVar's aggregate classification.
Comment: This variant is classified as likely benign based on ACMG/AMP sequence variant interpretation guidelines (Richards et al. 2015 PMID: 25741868, with internal and published modifications).